The following is an entry in ClinVar:

ClinVar aggregate classification (germline): Benign. Review status: criteria provided, multiple submitters, no conflicts (2 of 4 stars). 3 submissions from 3 submitters: Benign (3). Last evaluated 2026-02-01.

Conditions:
Dilated cardiomyopathy 1J (CMD1J). Also called: CARDIOMYOPATHY, DILATED, WITH SENSORINEURAL HEARING LOSS, AUTOSOMAL DOMINANT. Identifiers: Orphanet 217622, MedGen C1854368, MONDO:0011541, OMIM 605362.

Allele frequency attached by ClinVar (database versions not stated): gnomAD exomes 0.00161 and 0.00415; ExAC 0.00526; 1000 Genomes Project 0.01098; 1000 Genomes Project 30x 0.01156; gnomAD 0.01557 and 0.01673; TOPMed 0.01718; ESP Exome Variant Server 0.01840.
gnomAD v4.1: 4,740 of 1,558,206 alleles (0.3%); highest among the groups gnomAD compares: African/African-American, 5%; 112 homozygotes.

Submissions (3):

Labcorp Genetics (formerly Invitae), Labcorp
Classification: Benign for Dilated cardiomyopathy 1J. Last evaluated: 2026-02-01. Review status: criteria provided, single submitter. Criteria: Invitae Variant Classification Sherloc (09022015). Collection method: clinical testing. Allele origin: germline.

Women's Health and Genetics/Laboratory Corporation of America, LabCorp
Classification: Benign. Last evaluated: 2020-03-23. Review status: criteria provided, single submitter. Criteria: LabCorp Variant Classification Summary - May 2015. Collection method: clinical testing. Allele origin: germline.
Comment: Variant summary: EYA4 c.804+17T>C alters a non-conserved nucleotide located close to a canonical splice site and therefore could affect mRNA splicing, leading to a significantly altered protein sequence. 4/4 computational tools predict no significant impact on normal splicing. However, these predictions have yet to be confirmed by functional studies. The variant allele was found at a frequency of 0.0042 in 248188 control chromosomes, predominantly at a frequency of 0.051 within the African or African-American subpopulation in the gnomAD database, including 29 homozygotes. The observed variant frequency within African or African-American control individuals in the gnomAD database is significantly higher than the estimated maximal expected allele frequency for a pathogenic variant in EYA4 causing Cardiomyopathy phenotype (2.5e-05), strongly suggesting that the variant is a benign polymorphism found primarily in populations of African or African-American origin. To our knowledge, no occurrence of c.804+17T>C in individuals affected with Cardiomyopathy and no experimental evidence demonstrating its impact on protein function have been reported. No clinical diagnostic laboratories have submitted clinical-significance assessments for this variant to ClinVar after 2014. Based on the evidence outlined above, the variant was classified as benign.

GeneDx
Classification: Benign. Last evaluated: 2018-07-10. Review status: criteria provided, single submitter. Criteria: GeneDx Variant Classification Process June 2021. Collection method: clinical testing. Allele origin: germline. Affected: yes.

NM_004100.5(EYA4):c.804+17T>C

Gene: EYA4 (EYA transcriptional coactivator and phosphatase 4; plus strand). Cytogenetic location: 6q23.2.
Variant type: single nucleotide variant.
Coding change: c.804+17T>C on transcript NM_004100.5 (MANE Select); 17 bases into the intron after coding-DNA position 804, T replaced by C.
Molecular consequence: intron variant.
Genome position (GRCh38, 1-based): chr6:133,464,875, T>C. VCF-style: chr6-133464875-T-C. GRCh37 (hg19) VCF-style: chr6-133786013-T-C.
Other names: c.804+17T>C (NM_001301013.2, NM_172105.4); c.735+17T>C (NM_001370458.1, NM_172103.4); c.642+17T>C (NM_001370459.1, NM_001301012.2).
Identifiers: ClinVar variation 918094 (VCV000918094.12), dbSNP rs57845656, ClinGen allele CA4008151.